The following is an entry in ClinVar:

NM_001194998.2(CEP152):c.500A>G (p.Asn167Ser)

Gene: CEP152 (centrosomal protein 152; minus strand). Cytogenetic location: 15q21.1.
Variant type: single nucleotide variant.
Coding change: c.500A>G on transcript NM_001194998.2 (MANE Select); coding-DNA position 500, A replaced by G.
Protein change: p.Asn167Ser; replaces asparagine 167 with serine.
Molecular consequence: missense variant.
Genome position (GRCh38, 1-based): chr15:48,797,341, T>C on the plus strand (A>G on the coding strand, the complement: CEP152 is on the minus strand). VCF-style: chr15-48797341-T-C. GRCh37 (hg19) VCF-style: chr15-49089538-T-C.
Other names: c.500A>G, p.Asn167Ser (NM_014985.4); c.500A>G (NM_014985.3); short protein forms N167S.
Identifiers: ClinVar variation 2178581 (VCV002178581.4), dbSNP rs1464116157, ClinGen allele CA392357664.

ClinVar aggregate classification (germline): Uncertain significance. Review status: criteria provided, multiple submitters, no conflicts (2 of 4 stars). 2 submissions from 2 submitters: Uncertain significance (2). Last evaluated 2026-01-05.

Conditions:
Inborn genetic diseases. Identifiers: MedGen C0950123, MeSH D030342.

Allele frequency attached by ClinVar (database versions not stated): gnomAD 0.00001; TOPMed 0.00002; gnomAD exomes 0.00003.
gnomAD v4.1: 45 of 1,613,970 alleles (0.0028%); highest among the groups gnomAD compares: Non-Finnish European, 0.0037%; no homozygotes.

Submissions (2):

Labcorp Genetics (formerly Invitae), Labcorp
Classification: Uncertain significance. Last evaluated: 2026-01-05. Review status: criteria provided, single submitter. Criteria: Invitae Variant Classification Sherloc (09022015). Collection method: clinical testing. Allele origin: germline.
Comment: This sequence change replaces asparagine, which is neutral and polar, with serine, which is neutral and polar, at codon 167 of the CEP152 protein (p.Asn167Ser). This variant is present in population databases (no rsID available, gnomAD 0.002%). This variant has not been reported in the literature in individuals affected with CEP152-related conditions. ClinVar contains an entry for this variant (Variation ID: 2178581). Invitae Evidence Modeling of protein sequence and biophysical properties (such as structural, functional, and spatial information, amino acid conservation, physicochemical variation, residue mobility, and thermodynamic stability) indicates that this missense variant is not expected to disrupt CEP152 protein function with a negative predictive value of 80%. In summary, the available evidence is currently insufficient to determine the role of this variant in disease. Therefore, it has been classified as a Variant of Uncertain Significance.

Ambry Genetics
Classification: Uncertain significance for Inborn genetic diseases. Last evaluated: 2025-03-27. Review status: criteria provided, single submitter. Criteria: Ambry Variant Classification Scheme 2023. Collection method: clinical testing. Allele origin: germline.